The following is an entry in ClinVar:

ClinVar aggregate classification (germline): Uncertain significance (1 of 4 stars; one submission).

Submission:

Greenwood Genetic Center Diagnostic Laboratories, Greenwood Genetic Center
Classification: Uncertain significance. Last evaluated: 2024-04-26. Review status: criteria provided, single submitter. Criteria: ACMG Guidelines, 2015. Collection method: clinical testing. Allele origin: germline. Affected: yes.
Comment: PM2, PP2, PP3

NM_020988.3(GNAO1):c.128A>T (p.Glu43Val)

Gene: GNAO1 (G protein subunit alpha o1; plus strand). Cytogenetic location: 16q13.
Variant type: single nucleotide variant.
Coding change: c.128A>T on transcript NM_020988.3 (MANE Select); coding-DNA position 128, A replaced by T.
Protein change: p.Glu43Val; replaces glutamic acid 43 with valine.
Molecular consequence: missense variant.
Genome position (GRCh38, 1-based): chr16:56,192,583, A>T. VCF-style: chr16-56192583-A-T. GRCh37 (hg19) VCF-style: chr16-56226495-A-T.
Other names: c.128A>T, p.Glu43Val (NM_138736.3); short protein forms E43V.
Identifiers: ClinVar variation 3338599 (VCV003338599.1).